The following is an entry in ClinVar:

NM_007294.4(BRCA1):c.1688A>C (p.Gln563Pro)

Gene: BRCA1 (BRCA1 DNA repair associated; minus strand). Cytogenetic location: 17q21.31.
Variant type: single nucleotide variant.
Coding change: c.1688A>C on transcript NM_007294.4 (MANE Select); coding-DNA position 1688, A replaced by C.
Protein change: p.Gln563Pro; replaces glutamine 563 with proline.
Molecular consequence: missense variant. On other transcripts: intron variant (137).
Genome position (GRCh38, 1-based): chr17:43,093,843, T>G on the plus strand (A>C on the coding strand, the complement: BRCA1 is on the minus strand). VCF-style: chr17-43093843-T-G. GRCh37 (hg19) VCF-style: chr17-41245860-T-G.
Other names: c.1475A>C, p.Gln492Pro (NM_001407571.1, NM_001407853.1, NM_001407894.1 and 9 more transcripts); c.1688A>C, p.Gln563Pro (NM_001407581.1, NM_001407582.1, NM_001407583.1 and 30 more transcripts); c.1685A>C, p.Gln562Pro (NM_001407587.1, NM_001407590.1, NM_001407591.1 and 22 more transcripts); c.1679A>C, p.Gln560Pro (NM_001407646.1, NM_001407647.1); c.1565A>C, p.Gln522Pro (NM_001407648.1, NM_001407664.1, NM_001407665.1 and 19 more transcripts); c.1562A>C, p.Gln521Pro (NM_001407649.1, NM_001407670.1, NM_001407671.1 and 11 more transcripts); c.1610A>C, p.Gln537Pro (NM_001407653.1, NM_001407654.1, NM_001407655.1 and 4 more transcripts); c.1607A>C, p.Gln536Pro (NM_001407659.1, NM_001407660.1, NM_001407661.1 and 1 more transcripts); and 40 more; short protein forms Q267P, Q452P, Q474P, Q492P, Q493P, Q516P, Q537P, Q395P.
Identifiers: ClinVar variation 1778048 (VCV001778048.4), dbSNP rs2154430054, ClinGen allele CA10598655.
Genomic context (GRCh38, chr17:43,093,843, plus strand): 5'-TTCGTTTTGAAAGCAGATTCTTTTTCGAGTGATTCTATTGGGTTAGGATTTTTCTCATTC[T>G]GAATAGAATCACCTTTTGTTTTATTCTCATGACCACTATTAGTAATATTCATCACTTGAC-3'
Protein context (NP_009225.1, residues 553-573): HENKTKGDSI[Gln563Pro]NEKNPNPIES

ClinVar aggregate classification (germline): Conflicting classifications of pathogenicity. Review status: criteria provided, conflicting classifications (1 of 4 stars). 2 submissions from 2 submitters: Uncertain significance (1); Likely benign (1). Last evaluated 2023-03-23.

Conditions:
Hereditary cancer-predisposing syndrome. Also called: Neoplastic Syndromes, Hereditary; Tumor predisposition; Hereditary Cancer Syndrome; Hereditary neoplastic syndrome. Identifiers: Orphanet 140162, MedGen C0027672, MeSH D009386, MONDO:0015356.

Submissions (2):

University of Washington Department of Laboratory Medicine, University of Washington
Classification: Likely benign for Hereditary cancer-predisposing syndrome. Last evaluated: 2023-03-23. Review status: criteria provided, single submitter. Criteria: Dines et al. (Genet Med. 2020). Collection method: curation. Allele origin: germline.
Comment: Missense variant in a coldspot region where missense variants are very unlikely to be pathogenic (PMID:31911673).

BRCA1 coldspot (exon 11 using historical exon numbering). Reclassification based on statistical prior probability

Ambry Genetics
Classification: Uncertain significance for Hereditary cancer-predisposing syndrome. Last evaluated: 2020-12-24. Review status: criteria provided, single submitter. Criteria: Ambry Variant Classification Scheme 2023. Collection method: clinical testing. Allele origin: germline.
Comment: The p.Q563P variant (also known as c.1688A>C), located in coding exon 9 of the BRCA1 gene, results from an A to C substitution at nucleotide position 1688. The glutamine at codon 563 is replaced by proline, an amino acid with similar properties. This amino acid position is well conserved in available vertebrate species. In addition, the in silico prediction for this alteration is inconclusive. Since supporting evidence is limited at this time, the clinical significance of this alteration remains unclear.